The following is an entry in ClinVar:

NM_000548.5(TSC2):c.2098G>C (p.Glu700Gln)

Gene: TSC2 (TSC complex subunit 2; plus strand). Cytogenetic location: 16p13.3.
Variant type: single nucleotide variant.
Coding change: c.2098G>C on transcript NM_000548.5 (MANE Select); coding-DNA position 2098, G replaced by C.
Protein change: p.Glu700Gln; replaces glutamic acid 700 with glutamine.
Molecular consequence: missense variant. On other transcripts: non-coding transcript variant (5).
Genome position (GRCh38, 1-based): chr16:2,072,241, G>C. VCF-style: chr16-2072241-G-C. GRCh37 (hg19) VCF-style: chr16-2122242-G-C.
Other names: c.2098G>C, p.Glu700Gln (NM_001077183.3, NM_001114382.3, NM_021055.3 and 6 more transcripts); c.1987G>C, p.Glu663Gln (NM_001318827.2, NM_001406678.1, NM_001406670.1); c.1951G>C, p.Glu651Gln (NM_001318829.2, NM_001406675.1, NM_001406676.1 and 1 more transcripts); c.1498G>C, p.Glu500Gln (NM_001318831.2, NM_001406680.1, NM_001406682.1 and 6 more transcripts); c.2086G>C, p.Glu696Gln (NM_001406671.1, NM_001406673.1); c.2041G>C, p.Glu681Gln (NM_001406677.1); c.1636G>C, p.Glu546Gln (NM_001406681.1); c.754G>C, p.Glu252Gln (NM_001406692.1, NM_001406693.1, NM_001406694.1 and 6 more transcripts); and 3 more; short protein forms E166Q, E252Q, E500Q, E546Q, E651Q, E663Q, E681Q, E696Q.
Identifiers: ClinVar variation 4855772 (VCV004855772.1).
Genomic context (GRCh38, chr16:2,072,241, plus strand): 5'-GCTTCCGCCTCTGTCTCTAGGGTCCAGAAGGCCCTGTCCTGACGCCTCCTCTCCTCGCAG[G>C]AGTCTGACTGGAAGGTGCTGAAGCTGGTTCTGGGCAGGCTGCCTGAGTCCCTGCGCTATA-3'
Protein context (NP_000539.2, residues 690-710): FRVLLQCLKQ[Glu700Gln]SDWKVLKLVL

ClinVar aggregate classification (germline): Uncertain significance (1 of 4 stars; one submission).

Conditions:
Tuberous sclerosis 2 (TSC2). Identifiers: Orphanet 805, MedGen C1860707, MONDO:0013199, OMIM 613254.

Submission:

3billion
Classification: Uncertain significance for Tuberous sclerosis 2. Last evaluated: 2025-05-05. Review status: criteria provided, single submitter. Criteria: ACMG Guidelines, 2015. Collection method: clinical testing. Allele origin: germline. Affected: yes.
Comment: The variant is not observed in the gnomAD v4.1.0 dataset. Predicted Consequence/Location: Missense variant. The majority of the known disease-causing variants of this gene are variants expected to result in premature termination of the protein. In silico tool predictions suggest damaging effect of the variant on gene or gene product [REVEL: 0.85 (>=0.6, sensitivity 0.68 and specificity 0.92)]. A different missense change at the same codon (p.Glu700Lys) has been reported to be associated with TSC2-related disorder (PMID: 12015165). However the evidence of pathogenicity is insufficient at this time. Therefore, this variant is classified as VUS according to the recommendation of ACMG/AMP guideline.

Literature cited by the submitters: PubMed 12015165.